The following is an entry in ClinVar:

ClinVar aggregate classification (germline): Pathogenic (1 of 4 stars; one submission).

Submission:

Labcorp Genetics (formerly Invitae), Labcorp
Classification: Pathogenic. Last evaluated: 2023-08-08. Review status: criteria provided, single submitter. Criteria: Invitae Variant Classification Sherloc (09022015). Collection method: clinical testing. Allele origin: germline.
Comment: This sequence change creates a premature translational stop signal (p.Phe833Serfs*18) in the MYO7A gene. It is expected to result in an absent or disrupted protein product. Loss-of-function variants in MYO7A are known to be pathogenic (PMID: 8900236, 25404053). This variant is not present in population databases (gnomAD no frequency). This variant has not been reported in the literature in individuals affected with MYO7A-related conditions. For these reasons, this variant has been classified as Pathogenic.

Literature cited by the submitters: PubMed 8900236; PubMed 25404053.

NM_000260.4(MYO7A):c.2498del (p.Phe833fs)

Gene: MYO7A (myosin VIIA; plus strand). Cytogenetic location: 11q13.5.
Variant type: Deletion.
Coding change: c.2498del on transcript NM_000260.4 (MANE Select); coding-DNA position 2498, one base deleted (T; older notation c.2498delT).
Protein change: p.Phe833fs; shifts the reading frame from phenylalanine 833.
Molecular consequence: frameshift variant.
Genome position (GRCh38, 1-based): chr11:77,179,865, T deleted; the last of 2 consecutive T bases (chr11:77,179,864-77,179,865); deleting either gives the same sequence. VCF-style (leftmost placement, unchanged base first): chr11-77179863-CT-C. GRCh37 (hg19) VCF-style: chr11-76890909-CT-C.
Other names: c.2498del, p.Phe833fs (NM_001127180.2); c.2465del, p.Phe822fs (NM_001369365.1); short protein forms F833fs, F822fs.
Identifiers: ClinVar variation 2751190 (VCV002751190.3), dbSNP rs2497176732, ClinGen allele CA2697548822.